The following is an entry in ClinVar:

NM_021224.6(ZNF462):c.3480C>T (p.Val1160=)

Gene: ZNF462 (zinc finger protein 462; plus strand). Cytogenetic location: 9q31.2.
Variant type: single nucleotide variant.
Coding change: c.3480C>T on transcript NM_021224.6 (MANE Select); coding-DNA position 3480, C replaced by T.
Protein change: p.Val1160=; no amino-acid change (valine 1160 retained).
Molecular consequence: synonymous variant. On other transcripts: intron variant (1).
Genome position (GRCh38, 1-based): chr9:106,927,392, C>T. VCF-style: chr9-106927392-C-T. GRCh37 (hg19) VCF-style: chr9-109689673-C-T.
Other names: c.3252+228C>T (NM_001347997.2).
Identifiers: ClinVar variation 5039431 (VCV005039431.1).

ClinVar aggregate classification (germline): Likely benign (1 of 4 stars; one submission).

gnomAD v4.1: 136 of 1,613,722 alleles (0.0084%); highest among the groups gnomAD compares: Admixed American, 0.062%; no homozygotes.

Submission:

CeGaT Center for Human Genetics Tuebingen
Classification: Likely benign. Last evaluated: 2026-07-01. Review status: criteria provided, single submitter. Criteria: CeGaT Center For Human Genetics Tuebingen Variant Classification Criteria Version 2. Collection method: clinical testing. Allele origin: germline. Affected: yes. Observed: 1 variant allele.
Comment: ZNF462: BP4, BP7